The following is an entry in ClinVar:

NM_207118.3(GTF2H5):c.41C>A (p.Pro14His)

Gene: GTF2H5 (general transcription factor IIH subunit 5; plus strand). Cytogenetic location: 6q25.3.
Variant type: single nucleotide variant.
Coding change: c.41C>A on transcript NM_207118.3 (MANE Select); coding-DNA position 41, C replaced by A.
Protein change: p.Pro14His; replaces proline 14 with histidine.
Molecular consequence: missense variant.
Genome position (GRCh38, 1-based): chr6:158,191,982, C>A. VCF-style: chr6-158191982-C-A. GRCh37 (hg19) VCF-style: chr6-158613014-C-A.
Other names: short protein forms P14H.
Identifiers: ClinVar variation 2171995 (VCV002171995.3), dbSNP rs962907167, ClinGen allele CA150918425.

ClinVar aggregate classification (germline): Uncertain significance (1 of 4 stars; one submission).

gnomAD v4.1: 7 of 1,613,304 alleles (0.00043%); highest among the groups gnomAD compares: African/African-American, 0.0093%; no homozygotes.

Submission:

Labcorp Genetics (formerly Invitae), Labcorp
Classification: Uncertain significance. Last evaluated: 2022-06-25. Review status: criteria provided, single submitter. Criteria: Invitae Variant Classification Sherloc (09022015). Collection method: clinical testing. Allele origin: germline.
Comment: In summary, the available evidence is currently insufficient to determine the role of this variant in disease. Therefore, it has been classified as a Variant of Uncertain Significance. Algorithms developed to predict the effect of missense changes on protein structure and function (SIFT, PolyPhen-2, Align-GVGD) all suggest that this variant is likely to be disruptive. This variant has not been reported in the literature in individuals affected with GTF2H5-related conditions. This variant is not present in population databases (gnomAD no frequency). This sequence change replaces proline, which is neutral and non-polar, with histidine, which is basic and polar, at codon 14 of the GTF2H5 protein (p.Pro14His).